The following is an entry in ClinVar:

Conditions:
Breast-ovarian cancer, familial, susceptibility to, 1 (BROVCA1). Also called: BRCA1 Hereditary Breast and Ovarian Cancer; OVARIAN CANCER, SUSCEPTIBILITY TO. Identifiers: Orphanet 145, MedGen C2676676, MONDO:0011450, OMIM 604370. Disease mechanism: loss of function.

Submission:

Brotman Baty Institute, University of Washington
No classification provided (evidence only). Condition: Breast-ovarian cancer, familial 1. Review status: no classification provided. Collection method: in vitro. Allele origin: not applicable. Functional consequence: functionally_normal.
ClinVar note: "not provided" was previously submitted as the classification for the variant. However, the classification appeared to be based only on an observation of functional data so it was converted to no classification on 2025-07-30.

NM_007294.4(BRCA1):c.57G>A (p.Gln19=)

Gene: BRCA1 (BRCA1 DNA repair associated; minus strand). Cytogenetic location: 17q21.31.
Variant type: single nucleotide variant.
Coding change: c.57G>A on transcript NM_007294.4 (MANE Select); coding-DNA position 57, G replaced by A.
Protein change: p.Gln19=; no amino-acid change (glutamine 19 retained).
Molecular consequence: synonymous variant. On other transcripts: 5 prime UTR variant (136), intron variant (36).
Genome position (GRCh38, 1-based): chr17:43,124,040, C>T on the plus strand (G>A on the coding strand, the complement: BRCA1 is on the minus strand). VCF-style: chr17-43124040-C-T. GRCh37 (hg19) VCF-style: chr17-41276057-C-T.
Other names: c.-132G>A (NM_001407916.1, NM_001407918.1, NM_001407946.1 and 46 more transcripts); c.-251G>A (NM_001407917.1, NM_001407954.1, NM_001408513.1); c.57G>A, p.Gln19= (NM_001407919.1, NM_001407937.1, NM_001407938.1 and 193 more transcripts); c.-230G>A (NM_001407920.1, NM_001407697.1, NM_001407846.1); c.-204G>A (NM_001407921.1, NM_001407923.1, NM_001407927.1 and 22 more transcripts); c.-31G>A (NM_001407924.1, NM_001407925.1, NM_001407928.1 and 23 more transcripts); c.-201G>A (NM_001407930.1, NM_001407942.1, NM_001408455.1 and 11 more transcripts); c.-208G>A (NM_001407934.1, NM_001408497.1, NM_001407741.1); and 23 more.
Identifiers: ClinVar variation 868739 (VCV000868739.3), dbSNP rs2055725365, ClinGen allele CA500131408.